The following is an entry in ClinVar:

NM_001355436.2(SPTB):c.1473_1474del (p.Asn492fs)

Gene: SPTB (spectrin beta, erythrocytic; minus strand). Cytogenetic location: 14q23.3.
Variant type: Microsatellite.
Coding change: c.1473_1474del on transcript NM_001355436.2 (MANE Select); coding-DNA positions 1473 to 1474, 2 bases deleted (GA; older notation c.1473_1474delGA).
Protein change: p.Asn492fs; shifts the reading frame from asparagine 492.
Molecular consequence: frameshift variant.
Genome position (GRCh38, 1-based): chr14:64,795,507-64,795,508, TC deleted on the plus strand (GA on the coding strand, the reverse complement: SPTB is on the minus strand); deleting any 2 consecutive bases within chr14:64,795,507-64,795,511 gives the same sequence; the c. name uses the placement nearest the transcript's 3' end. VCF-style (leftmost placement, unchanged base first): chr14-64795506-TTC-T. GRCh37 (hg19) VCF-style: chr14-65262224-TTC-T.
Other names: c.1473_1474del, p.Asn492fs (NM_001024858.4, NM_001355437.2); c.1473_1474delGA (NM_001024858.2); short protein forms N492fs.
Identifiers: ClinVar variation 2856747 (VCV002856747.5), dbSNP rs2503174606, ClinGen allele CA2739277959.

ClinVar aggregate classification (germline): Pathogenic/Likely pathogenic. Review status: criteria provided, multiple submitters, no conflicts (2 of 4 stars). 3 submissions from 3 submitters: Pathogenic (1); Likely pathogenic (2). Last evaluated 2025-08-13.

Conditions:
SPTB-related disorder. Also called: SPTB-Related Disorders; SPTB-related condition.

Submissions (3):

PreventionGenetics, part of Exact Sciences
Classification: Likely pathogenic for SPTB-related condition. Last evaluated: 2025-08-13. Review status: criteria provided, single submitter. Criteria: ACMG Guidelines, 2015. Collection method: clinical testing. Allele origin: germline.
Comment: The SPTB c.1473_1474delGA variant is predicted to result in a frameshift and premature protein termination (p.Asn492Leufs*3). To our knowledge, this variant has not been reported in the literature or in a large population database (gnomAD), indicating this variant is rare. Frameshift variants in SPTB are expected to be pathogenic. This variant is interpreted as likely pathogenic.

Revvity Omics, Revvity
Classification: Likely pathogenic. Last evaluated: 2024-05-06. Review status: criteria provided, single submitter. Criteria: ACMG Guidelines, 2015. Collection method: clinical testing. Allele origin: germline.

Labcorp Genetics (formerly Invitae), Labcorp
Classification: Pathogenic. Last evaluated: 2023-06-23. Review status: criteria provided, single submitter. Criteria: Invitae Variant Classification Sherloc (09022015). Collection method: clinical testing. Allele origin: germline.
Comment: This sequence change creates a premature translational stop signal (p.Asn492Leufs*3) in the SPTB gene. It is expected to result in an absent or disrupted protein product. Loss-of-function variants in SPTB are known to be pathogenic (PMID: 1391962, 1498324, 8844207, 26830532, 27292444). This variant is not present in population databases (gnomAD no frequency). This variant has not been reported in the literature in individuals affected with SPTB-related conditions. For these reasons, this variant has been classified as Pathogenic.

Literature cited by the submitters: PubMed 1391962 (cited by Labcorp Genetics (formerly Invitae), Labcorp); PubMed 1498324 (cited by Labcorp Genetics (formerly Invitae), Labcorp); PubMed 8844207 (cited by Labcorp Genetics (formerly Invitae), Labcorp); PubMed 26830532 (cited by Labcorp Genetics (formerly Invitae), Labcorp); PubMed 27292444 (cited by Labcorp Genetics (formerly Invitae), Labcorp).